The following is an entry in ClinVar:

ClinVar aggregate classification (germline): Uncertain significance. Review status: criteria provided, multiple submitters, no conflicts (2 of 4 stars). 2 submissions from 2 submitters: Uncertain significance (2). Last evaluated 2025-05-31.

gnomAD v4.1: 1 of 1,613,746 alleles (0.000062%); highest among the groups gnomAD compares: Middle Eastern, 0.016%; no homozygotes.

Submissions (2):

Ambry Genetics
Classification: Uncertain significance. Last evaluated: 2025-05-31. Review status: criteria provided, single submitter. Criteria: Ambry Variant Classification Scheme 2023. Collection method: clinical testing. Allele origin: germline.
Comment: The p.L252W variant (also known as c.755T>G), located in coding exon 1 of the MLH3 gene, results from a T to G substitution at nucleotide position 755. The leucine at codon 252 is replaced by tryptophan, an amino acid with similar properties. This amino acid position is conserved. In addition, this alteration is predicted to be deleterious by in silico analysis. Since supporting evidence is limited at this time, the clinical significance of this alteration remains unclear.

Center for Genomic Medicine, Rigshospitalet, Copenhagen University Hospital
Classification: Uncertain significance. Last evaluated: 2025-03-04. Review status: criteria provided, single submitter. Criteria: ACMG Guidelines, 2015. Collection method: clinical testing. Allele origin: germline.

NM_001040108.2(MLH3):c.755T>G (p.Leu252Trp)

Gene: MLH3 (mutL homolog 3; minus strand). Cytogenetic location: 14q24.3.
Variant type: single nucleotide variant.
Coding change: c.755T>G on transcript NM_001040108.2 (MANE Select); coding-DNA position 755, T replaced by G.
Protein change: p.Leu252Trp; replaces leucine 252 with tryptophan.
Molecular consequence: missense variant.
Genome position (GRCh38, 1-based): chr14:75,048,901, A>C on the plus strand (T>G on the coding strand, the complement: MLH3 is on the minus strand). VCF-style: chr14-75048901-A-C. GRCh37 (hg19) VCF-style: chr14-75515604-A-C.
Other names: c.755T>G, p.Leu252Trp (NM_014381.3); short protein forms L252W.
Identifiers: ClinVar variation 1759523 (VCV001759523.5), dbSNP rs1892461704, ClinGen allele CA390449232.